The following is an entry in ClinVar:

NM_000548.5(TSC2):c.2743-5G>A

Gene: TSC2 (TSC complex subunit 2; plus strand). Cytogenetic location: 16p13.3.
Variant type: single nucleotide variant.
Coding change: c.2743-5G>A on transcript NM_000548.5 (MANE Select); 5 bases into the intron before coding-DNA position 2743, G replaced by A.
Molecular consequence: intron variant.
Genome position (GRCh38, 1-based): chr16:2,076,486, G>A. VCF-style: chr16-2076486-G-A. GRCh37 (hg19) VCF-style: chr16-2126487-G-A.
Other names: c.1399-5G>A (NM_001406693.1, NM_001406689.1, NM_001406690.1 and 6 more transcripts); c.2833-5G>A (NM_001406667.1, NM_001406668.1); c.2143-5G>A (NM_001406680.1, NM_001406683.1, NM_001406687.1 and 6 more transcripts); c.1141-5G>A (NM_001406698.1); c.2743-5G>A (NM_001114382.3, NM_001406663.1, NM_001406664.1 and 6 more transcripts); c.2731-5G>A (NM_001406671.1, NM_001406673.1); c.2281-5G>A (NM_001406681.1); c.2632-5G>A (NM_001406670.1, NM_001318827.2, NM_001406678.1); and 3 more.
Identifiers: ClinVar variation 4557071 (VCV004557071.1).

ClinVar aggregate classification (germline): Uncertain significance (1 of 4 stars; one submission).

Conditions:
Hereditary cancer-predisposing syndrome. Also called: Tumor predisposition; Hereditary Cancer Syndrome; Hereditary neoplastic syndrome; Neoplastic Syndromes, Hereditary. Identifiers: Orphanet 140162, MedGen C0027672, MeSH D009386, MONDO:0015356.

Submission:

Ambry Genetics
Classification: Uncertain significance for Hereditary cancer-predisposing syndrome. Last evaluated: 2025-10-30. Review status: criteria provided, single submitter. Criteria: Ambry Variant Classification Scheme 2023. Collection method: clinical testing. Allele origin: germline.
Comment: The c.2743-5G>A intronic variant results from a G to A substitution 5 nucleotides upstream from coding exon 24 in the TSC2 gene. This nucleotide position is not well conserved in available vertebrate species. In silico splice site analysis predicts that this alteration will not have any significant effect on splicing. Based on the available evidence, the clinical significance of this variant remains unclear.